The following is an entry in ClinVar:

ClinVar aggregate classification (germline): Uncertain significance (1 of 4 stars; one submission).

Submission:

Women's Health and Genetics/Laboratory Corporation of America, LabCorp
Classification: Uncertain significance. Last evaluated: 2023-09-12. Review status: criteria provided, single submitter. Criteria: LabCorp Variant Classification Summary - May 2015. Collection method: clinical testing. Allele origin: germline.
Comment: Variant summary: WDR26 c.1763G>A (p.Ser588Asn) results in a conservative amino acid change located in the WD40 repeat (IPR001680) of the encoded protein sequence. Four of five in-silico tools predict a damaging effect of the variant on protein function. The variant was absent in 250314 control chromosomes (gnomAD). The available data on variant occurrences in the general population are insufficient to allow any conclusion about variant significance. To our knowledge, no occurrence of c.1763G>A in individuals affected with Skraban-Deardorff Syndrome and no experimental evidence demonstrating its impact on protein function have been reported. No submitters have cited clinical-significance assessments for this variant to ClinVar after 2014. Based on the evidence outlined above, the variant was classified as uncertain significance.

NM_001379403.1(WDR26):c.2063G>A (p.Ser688Asn)

Gene: WDR26 (WD repeat domain 26; minus strand). Cytogenetic location: 1q42.11.
Variant type: single nucleotide variant.
Coding change: c.2063G>A on transcript NM_001379403.1 (MANE Select); coding-DNA position 2063, G replaced by A.
Protein change: p.Ser688Asn; replaces serine 688 with asparagine.
Molecular consequence: missense variant.
Genome position (GRCh38, 1-based): chr1:224,398,108, C>T on the plus strand (G>A on the coding strand, the complement: WDR26 is on the minus strand). VCF-style: chr1-224398108-C-T. GRCh37 (hg19) VCF-style: chr1-224585810-C-T.
Other names: c.1715G>A, p.Ser572Asn (NM_001115113.3); c.1763G>A, p.Ser588Asn (NM_025160.7); short protein forms S572N, S588N, S688N.
Identifiers: ClinVar variation 2627211 (VCV002627211.1), dbSNP rs2464678543, ClinGen allele CA344746543.